The following is an entry in ClinVar:

ClinVar aggregate classification (germline): Conflicting classifications of pathogenicity. Review status: criteria provided, conflicting classifications (1 of 4 stars). 3 submissions from 3 submitters: Uncertain significance (1); Likely benign (1). 1 of the submissions does not count toward it. Last evaluated 2024-09-09.

Conditions:
Inborn genetic diseases. Identifiers: MedGen C0950123, MeSH D030342.
PCNT-related disorder. Also called: PCNT-related condition.

Allele frequency attached by ClinVar (database versions not stated): gnomAD 0.00001; gnomAD exomes 0.00001; TOPMed 0.00002; ExAC 0.00003; 1000 Genomes Project 0.00020; 1000 Genomes Project 30x 0.00031.
gnomAD v4.1: 19 of 1,614,172 alleles (0.0012%); highest among the groups gnomAD compares: Admixed American, 0.0083%; no homozygotes.

Submissions (3):

Blueprint Genetics
Classification: Uncertain significance. Last evaluated: 2024-09-09. Review status: criteria provided, single submitter. Criteria: ACMG Guidelines, 2015. Collection method: clinical testing. Allele origin: germline.

Ambry Genetics
Classification: Likely benign for Inborn genetic diseases. Last evaluated: 2024-05-23. Review status: criteria provided, single submitter. Criteria: Ambry Variant Classification Scheme 2023. Collection method: clinical testing. Allele origin: germline.

PreventionGenetics, part of Exact Sciences
Classification: Uncertain significance for PCNT-related condition. Last evaluated: 2024-07-07. Review status: no assertion criteria provided. Collection method: clinical testing. Allele origin: germline. Not counted in ClinVar's aggregate classification.
Comment: The PCNT c.7850G>A variant is predicted to result in the amino acid substitution p.Arg2617Lys. To our knowledge, this variant has not been reported in the literature. This variant is reported in 0.0085% of alleles in individuals of Latino descent in gnomAD. At this time, the clinical significance of this variant is uncertain due to the absence of conclusive functional and genetic evidence.

NM_006031.6(PCNT):c.7850G>A (p.Arg2617Lys)

Gene: PCNT (pericentrin; plus strand). Cytogenetic location: 21q22.3.
Variant type: single nucleotide variant.
Coding change: c.7850G>A on transcript NM_006031.6 (MANE Select); coding-DNA position 7850, G replaced by A.
Protein change: p.Arg2617Lys; replaces arginine 2617 with lysine.
Molecular consequence: missense variant.
Genome position (GRCh38, 1-based): chr21:46,430,169, G>A. VCF-style: chr21-46430169-G-A. GRCh37 (hg19) VCF-style: chr21-47850083-G-A.
Other names: c.7496G>A, p.Arg2499Lys (NM_001315529.2); short protein forms R2499K, R2617K.
Identifiers: ClinVar variation 2636087 (VCV002636087.4), dbSNP rs566660010, ClinGen allele CA10080804.
Genomic context (GRCh38, chr21:46,430,169, plus strand): 5'-AGCTCCTGGCGGCGGAGCAGACTGTAGTGCGAGATTTGAAGTCCGACCTCTGTGAGAGCA[G>A]GCAGAAGAGCGAACAGCTGTCCCGGTCCCTCTGCGAGGTGCAGCAGGAGGTCCTCCAGCT-3'
Protein context (NP_006022.3, residues 2607-2627): RDLKSDLCES[Arg2617Lys]QKSEQLSRSL